The following is an entry in ClinVar:

NM_152564.5(VPS13B):c.1064C>A (p.Ala355Glu)

Gene: VPS13B (vacuolar protein sorting 13 homolog B; plus strand). Cytogenetic location: 8q22.2.
Variant type: single nucleotide variant.
Coding change: c.1064C>A on transcript NM_152564.5 (MANE Select); coding-DNA position 1064, C replaced by A.
Protein change: p.Ala355Glu; replaces alanine 355 with glutamic acid.
Molecular consequence: missense variant. On other transcripts: non-coding transcript variant (1).
Genome position (GRCh38, 1-based): chr8:99,121,303, C>A. VCF-style: chr8-99121303-C-A. GRCh37 (hg19) VCF-style: chr8-100133531-C-A.
Other names: c.1064C>A (NM_017890.3); c.1064C>A, p.Ala355Glu (NM_015243.3, NM_017890.5, NM_181661.3); short protein forms A355E.
Identifiers: ClinVar variation 1939427 (VCV001939427.4), dbSNP rs368837821, ClinGen allele CA4822535.

ClinVar aggregate classification (germline): Uncertain significance. Review status: criteria provided, multiple submitters, no conflicts (2 of 4 stars). 3 submissions from 3 submitters: Uncertain significance (2). 1 of the submissions does not count toward it. Last evaluated 2025-08-30.

Conditions:
Inborn genetic diseases. Identifiers: MedGen C0950123, MeSH D030342.
VPS13B-related disorder. Also called: VPS13B-related condition.
Cohen syndrome (COH1). Also called: Cutis verticis gyrata, retinitis pigmentosa, and sensorineural deafness; PEPPER SYNDROME. Identifiers: Orphanet 193, MedGen C0265223, MONDO:0008999, OMIM 216550.

Allele frequency attached by ClinVar (database versions not stated): gnomAD exomes below 0.00001; ExAC 0.00001; TOPMed 0.00002; gnomAD 0.00003; ESP Exome Variant Server 0.00008.
gnomAD v4.1: 9 of 1,614,014 alleles (0.00056%); highest among the groups gnomAD compares: African/African-American, 0.012%; no homozygotes.

Submissions (3):

Ambry Genetics
Classification: Uncertain significance for Inborn genetic diseases. Last evaluated: 2025-08-30. Review status: criteria provided, single submitter. Criteria: Ambry Variant Classification Scheme 2023. Collection method: clinical testing. Allele origin: germline.

Labcorp Genetics (formerly Invitae), Labcorp
Classification: Uncertain significance for Cohen syndrome. Last evaluated: 2022-08-23. Review status: criteria provided, single submitter. Criteria: Invitae Variant Classification Sherloc (09022015). Collection method: clinical testing. Allele origin: germline.
Comment: This sequence change replaces alanine, which is neutral and non-polar, with glutamic acid, which is acidic and polar, at codon 355 of the VPS13B protein (p.Ala355Glu). This variant is present in population databases (rs368837821, gnomAD 0.01%). This variant has not been reported in the literature in individuals affected with VPS13B-related conditions. Algorithms developed to predict the effect of missense changes on protein structure and function are either unavailable or do not agree on the potential impact of this missense change (SIFT: "Not Available"; PolyPhen-2: "Possibly Damaging"; Align-GVGD: "Not Available"). In summary, the available evidence is currently insufficient to determine the role of this variant in disease. Therefore, it has been classified as a Variant of Uncertain Significance.

PreventionGenetics, part of Exact Sciences
Classification: Uncertain significance for VPS13B-related condition. Last evaluated: 2024-07-17. Review status: no assertion criteria provided. Collection method: clinical testing. Allele origin: germline. Not counted in ClinVar's aggregate classification.
Comment: The VPS13B c.1064C>A variant is predicted to result in the amino acid substitution p.Ala355Glu. To our knowledge, this variant has not been reported in the literature. This variant is reported in 0.012% of alleles in individuals of African descent in gnomAD. At this time, the clinical significance of this variant is uncertain due to the absence of conclusive functional and genetic evidence.